The following is an entry in ClinVar:

ClinVar aggregate classification (germline): Pathogenic. Review status: criteria provided, single submitter (1 of 4 stars). 2 submissions from 2 submitters: Pathogenic (1). 1 of the submissions does not count toward it. Last evaluated 2023-07-13.

Conditions:
Renal carnitine transport defect (CDSP). Also called: Primary carnitine deficiency; Systemic primary carnitine deficiency; Systemic primary carnitine deficiency disease; CARNITINE DEFICIENCY, SYSTEMIC, DUE TO DEFECT IN RENAL REABSORPTION OF CARNITINE; CARNITINE TRANSPORTER, PLASMA-MEMBRANE, DEFICIENCY OF; CARNITINE UPTAKE DEFECT. Identifiers: Orphanet 158, MedGen C0342788, MONDO:0008919, OMIM 212140.

Allele frequency attached by ClinVar (database versions not stated): TOPMed 0.00001.

Submissions (2):

Labcorp Genetics (formerly Invitae), Labcorp
Classification: Pathogenic for Renal carnitine transport defect. Last evaluated: 2023-07-13. Review status: criteria provided, single submitter. Criteria: Invitae Variant Classification Sherloc (09022015). Collection method: clinical testing. Allele origin: germline.
Comment: This sequence change creates a premature translational stop signal (p.Tyr486*) in the SLC22A5 gene. It is expected to result in an absent or disrupted protein product. Loss-of-function variants in SLC22A5 are known to be pathogenic (PMID: 9916797). This variant is not present in population databases (gnomAD no frequency). This variant has not been reported in the literature in individuals affected with SLC22A5-related conditions. ClinVar contains an entry for this variant (Variation ID: 370131). For these reasons, this variant has been classified as Pathogenic.

Counsyl
Classification: Likely pathogenic for Renal carnitine transport defect. Last evaluated: 2015-11-24. Review status: no assertion criteria provided. Collection method: clinical testing. Allele origin: unknown. Not counted in ClinVar's aggregate classification.

Literature cited by the submitters: PubMed 9916797 (cited by Labcorp Genetics (formerly Invitae), Labcorp).

NM_003060.4(SLC22A5):c.1458C>G (p.Tyr486Ter)

Gene: SLC22A5 (solute carrier family 22 member 5; plus strand). Cytogenetic location: 5q31.1.
Variant type: single nucleotide variant.
Coding change: c.1458C>G on transcript NM_003060.4 (MANE Select); coding-DNA position 1458, C replaced by G.
Protein change: p.Tyr486Ter; replaces tyrosine 486 with a stop codon.
Molecular consequence: nonsense.
Genome position (GRCh38, 1-based): chr5:132,393,683, C>G. VCF-style: chr5-132393683-C-G. GRCh37 (hg19) VCF-style: chr5-131729375-C-G.
Other names: c.1530C>G, p.Tyr510Ter (NM_001308122.2); short protein forms Y486*, Y510*.
Identifiers: ClinVar variation 370131 (VCV000370131.6), dbSNP rs763224132, ClinGen allele CA16040981.